The following is an entry in ClinVar:

ClinVar aggregate classification (germline): Pathogenic (1 of 4 stars; one submission).

Submission:

Labcorp Genetics (formerly Invitae), Labcorp
Classification: Pathogenic. Last evaluated: 2022-08-27. Review status: criteria provided, single submitter. Criteria: Invitae Variant Classification Sherloc (09022015). Collection method: clinical testing. Allele origin: germline.
Comment: This sequence change creates a premature translational stop signal (p.Glu1478*) in the CDH23 gene. It is expected to result in an absent or disrupted protein product. Loss-of-function variants in CDH23 are known to be pathogenic (PMID: 11138009, 21940737). For these reasons, this variant has been classified as Pathogenic. This variant has not been reported in the literature in individuals affected with CDH23-related conditions. This variant is not present in population databases (gnomAD no frequency).

Literature cited by the submitters: PubMed 11138009; PubMed 21940737.

NM_022124.6(CDH23):c.4432G>T (p.Glu1478Ter)

Gene: CDH23 (cadherin related 23; plus strand). Cytogenetic location: 10q22.1.
Variant type: single nucleotide variant.
Coding change: c.4432G>T on transcript NM_022124.6 (MANE Select); coding-DNA position 4432, G replaced by T.
Protein change: p.Glu1478Ter; replaces glutamic acid 1478 with a stop codon.
Molecular consequence: nonsense.
Genome position (GRCh38, 1-based): chr10:71,739,716, G>T. VCF-style: chr10-71739716-G-T. GRCh37 (hg19) VCF-style: chr10-73499473-G-T.
Other names: short protein forms E1478*.
Identifiers: ClinVar variation 2027298 (VCV002027298.4), dbSNP rs368798550, ClinGen allele CA377160143.
Genomic context (GRCh38, chr10:71,739,716, plus strand): 5'-CTGGCCTCTGGCAACATCGCGGGGGCCTTTGAGATCGTCACCACCAATGACTCCATTGGC[G>T]AAGTGTTTGTGGCCAGGCCCCTGGACAGAGAAGAGCTGGATCACTACATCCTCCAGGTGG-3'